The following is an entry in ClinVar:

ClinVar aggregate classification (germline): Pathogenic. Review status: reviewed by expert panel (3 of 4 stars). 3 submissions from 3 submitters: Pathogenic (1). 2 of the submissions do not count toward it. Last evaluated 2017-12-15.

Conditions:
Hereditary breast ovarian cancer syndrome. Also called: Hereditary breast and ovarian cancer syndrome (HBOC); Breast and ovarian cancer; Hereditary breast and ovarian cancer syndrome; Hereditary breast and ovarian cancer; BRCA1- and BRCA2-Associated Hereditary Breast and Ovarian Cancer; Hereditary breast and/or ovarian cancer syndrome. Identifiers: Orphanet 145, MedGen C0677776, MeSH D061325, MONDO:0003582. Disease mechanism: loss of function.
Breast-ovarian cancer, familial, susceptibility to, 1 (BROVCA1). Also called: BRCA1 Hereditary Breast and Ovarian Cancer; OVARIAN CANCER, SUSCEPTIBILITY TO. Identifiers: Orphanet 145, MedGen C2676676, MONDO:0011450, OMIM 604370. Disease mechanism: loss of function.

Submissions (3):

Evidence-based Network for the Interpretation of Germline Mutant Alleles (ENIGMA)
Classification: Pathogenic for Breast-ovarian cancer, familial, susceptibility to, 1. Last evaluated: 2017-12-15. Review status: reviewed by expert panel. Criteria: ENIGMA BRCA1/2 Classification Criteria (2017-06-29). Collection method: curation. Allele origin: germline. Study: ENIGMA.
Comment: Variant allele predicted to encode a truncated non-functional protein.

Labcorp Genetics (formerly Invitae), Labcorp
Classification: Pathogenic for Hereditary breast ovarian cancer syndrome. Last evaluated: 2022-04-27. Review status: criteria provided, single submitter. Criteria: Invitae Variant Classification Sherloc (09022015). Collection method: clinical testing. Allele origin: germline. Not counted in ClinVar's aggregate classification.
Comment: For these reasons, this variant has been classified as Pathogenic. This variant disrupts a region of the BRCA1 protein in which other variant(s) (p.Tyr1853*) have been determined to be pathogenic (PMID: 7894493, 10811118, 11739404, 20104584, 21922593, 24504028). This suggests that this is a clinically significant region of the protein, and that variants that disrupt it are likely to be disease-causing. ClinVar contains an entry for this variant (Variation ID: 252389). This variant has not been reported in the literature in individuals affected with BRCA1-related conditions. This variant is not present in population databases (gnomAD no frequency). This sequence change results in a frameshift in the BRCA1 gene (p.Val1842Leufs*35). While this is not anticipated to result in nonsense mediated decay, it is expected to disrupt the last 22 amino acid(s) of the BRCA1 protein and extend the protein by 12 additional amino acid residues.

Quest Diagnostics Nichols Institute San Juan Capistrano
Classification: Uncertain significance for Breast-ovarian cancer, familial, susceptibility to, 1. Last evaluated: 2016-03-11. Review status: criteria provided, single submitter. Criteria: Quest Diagnostics criteria. Collection method: clinical testing. Allele origin: germline. Inheritance: Autosomal dominant inheritance. Not counted in ClinVar's aggregate classification.

Literature cited by the submitters: PubMed 7894493 (cited by Labcorp Genetics (formerly Invitae), Labcorp); PubMed 10811118 (cited by Labcorp Genetics (formerly Invitae), Labcorp); PubMed 11739404 (cited by Labcorp Genetics (formerly Invitae), Labcorp); PubMed 20104584 (cited by Labcorp Genetics (formerly Invitae), Labcorp); PubMed 21922593 (cited by Labcorp Genetics (formerly Invitae), Labcorp); PubMed 24504028 (cited by Labcorp Genetics (formerly Invitae), Labcorp); PubMed 26295337 (cited by Quest Diagnostics Nichols Institute San Juan Capistrano).

NM_007294.4(BRCA1):c.5524_5531del (p.Val1842fs)

Gene: BRCA1 (BRCA1 DNA repair associated; minus strand). Cytogenetic location: 17q21.31.
Variant type: Deletion.
Coding change: c.5524_5531del on transcript NM_007294.4 (MANE Select); coding-DNA positions 5524 to 5531, 8 bases deleted (GTAGCACT; older notation c.5524_5531delGTAGCACT).
Protein change: p.Val1842fs; shifts the reading frame from valine 1842.
Molecular consequence: frameshift variant. On other transcripts: 3 prime UTR variant (1), non-coding transcript variant (1).
Genome position (GRCh38, 1-based): chr17:43,045,739-43,045,746, AGTGCTAC deleted on the plus strand (GTAGCACT on the coding strand, the reverse complement: BRCA1 is on the minus strand); deleting any 8 consecutive bases within chr17:43,045,739-43,045,747 gives the same sequence; the c. name uses the placement nearest the transcript's 3' end. VCF-style (leftmost placement, unchanged base first): chr17-43045738-GAGTGCTAC-G. GRCh37 (hg19) VCF-style: chr17-41197755-GAGTGCTAC-G.
Other names: c.5524_5531delGTAGCACT (NM_007294.3); c.5310_5317delTGTAGCAC, p.Val1771Leufs (NM_001407571.1, NM_001407894.1, NM_001407895.1 and 12 more transcripts); c.5589_5596delTGTAGCAC, p.Val1864Leufs (NM_001407581.1, NM_001407582.1); c.5586_5593delTGTAGCAC, p.Val1863Leufs (NM_001407583.1, NM_001407585.1, NM_001407587.1); c.5583_5590delTGTAGCAC, p.Val1862Leufs (NM_001407590.1, NM_001407591.1); c.5523_5530delTGTAGCAC, p.Val1842Leufs (NM_001407593.1, NM_001407594.1, NM_001407596.1 and 5 more transcripts); c.5520_5527delTGTAGCAC, p.Val1841Leufs (NM_001407610.1, NM_001407611.1, NM_001407612.1 and 14 more transcripts); c.5517_5524delTGTAGCAC, p.Val1840Leufs (NM_001407627.1, NM_001407628.1, NM_001407629.1 and 13 more transcripts); and 78 more; short protein forms V1842fs, V1795fs, V738fs, V1863fs.
Identifiers: ClinVar variation 252389 (VCV000252389.8), dbSNP rs879255287, ClinGen allele CA10585905.